The following is an entry in ClinVar:

ClinVar aggregate classification (germline): Pathogenic (1 of 4 stars; one submission).

Submission:

Labcorp Genetics (formerly Invitae), Labcorp
Classification: Pathogenic. Last evaluated: 2025-07-08. Review status: criteria provided, single submitter. Criteria: Invitae Variant Classification Sherloc (09022015). Collection method: clinical testing. Allele origin: germline.
Comment: This sequence change creates a premature translational stop signal (p.Leu403Tyrfs*6) in the PLOD2 gene. It is expected to result in an absent or disrupted protein product. Loss-of-function variants in PLOD2 are known to be pathogenic (PMID: 22689593, 25238597, 29178448). This variant is not present in population databases (gnomAD no frequency). This variant has not been reported in the literature in individuals affected with PLOD2-related conditions. For these reasons, this variant has been classified as Pathogenic.

Literature cited by the submitters: PubMed 22689593; PubMed 25238597; PubMed 29178448.

NM_182943.3(PLOD2):c.1207_1208insA (p.Leu403fs)

Gene: PLOD2 (procollagen-lysine,2-oxoglutarate 5-dioxygenase 2; minus strand). Cytogenetic location: 3q24.
Variant type: Insertion.
Coding change: c.1207_1208insA on transcript NM_182943.3 (MANE Select); coding-DNA positions 1207 to 1208, A inserted.
Protein change: p.Leu403fs; shifts the reading frame from leucine 403.
Molecular consequence: frameshift variant.
Genome position: GRCh38 VCF-style: chr3-146085193-A-AT. GRCh37 (hg19) VCF-style: chr3-145802980-A-AT.
Other names: c.1207_1208insA, p.Leu403fs (NM_000935.3); short protein forms L403fs.
Identifiers: ClinVar variation 4812155 (VCV004812155.1).